The following is an entry in ClinVar:

ClinVar aggregate classification (germline): Uncertain significance (1 of 4 stars; one submission).

Submission:

GeneDx
Classification: Uncertain significance. Last evaluated: 2023-03-01. Review status: criteria provided, single submitter. Criteria: GeneDx Variant Classification Process June 2021. Collection method: clinical testing. Allele origin: germline. Affected: yes.
Comment: Not observed at significant frequency in large population cohorts (gnomAD); In silico analysis supports that this missense variant does not alter protein structure/function; Has not been previously published as pathogenic or benign to our knowledge

NM_001348768.2(HECW2):c.1156T>C (p.Phe386Leu)

Gene: HECW2 (HECT, C2 and WW domain containing E3 ubiquitin protein ligase 2; minus strand). Cytogenetic location: 2q32.3.
Variant type: single nucleotide variant.
Coding change: c.1156T>C on transcript NM_001348768.2 (MANE Select); coding-DNA position 1156, T replaced by C.
Protein change: p.Phe386Leu; replaces phenylalanine 386 with leucine.
Molecular consequence: missense variant.
Genome position (GRCh38, 1-based): chr2:196,319,734, A>G on the plus strand (T>C on the coding strand, the complement: HECW2 is on the minus strand). VCF-style: chr2-196319734-A-G. GRCh37 (hg19) VCF-style: chr2-197184458-A-G.
Other names: c.88T>C, p.Phe30Leu (NM_001304840.3); c.1156T>C, p.Phe386Leu (NM_020760.4); short protein forms F30L, F386L.
Identifiers: ClinVar variation 2578227 (VCV002578227.1), dbSNP rs2105759581, ClinGen allele CA349966834.